The following is an entry in ClinVar:

NM_006648.4(WNK2):c.3530C>T (p.Ala1177Val)

Gene: WNK2 (WNK lysine deficient protein kinase 2; plus strand). Cytogenetic location: 9q22.31.
Variant type: single nucleotide variant.
Coding change: c.3530C>T on transcript NM_006648.4 (MANE Select); coding-DNA position 3530, C replaced by T.
Protein change: p.Ala1177Val; replaces alanine 1177 with valine.
Molecular consequence: missense variant.
Genome position (GRCh38, 1-based): chr9:93,263,685, C>T. VCF-style: chr9-93263685-C-T. GRCh37 (hg19) VCF-style: chr9-96025967-C-T.
Other names: c.3530C>T, p.Ala1177Val (NM_001282394.3); short protein forms A1177V.
Identifiers: ClinVar variation 3190633 (VCV003190633.2), dbSNP rs771940274, ClinGen allele CA5129994.

ClinVar aggregate classification (germline): Uncertain significance (1 of 4 stars; one submission).

Allele frequency attached by ClinVar (database versions not stated): TOPMed 0.00002; gnomAD 0.00003; gnomAD exomes 0.00003.
gnomAD v4.1: 49 of 1,566,572 alleles (0.0031%); highest among the groups gnomAD compares: South Asian, 0.0069%; no homozygotes.

Submission:

Ambry Genetics
Classification: Uncertain significance. Last evaluated: 2024-12-08. Review status: criteria provided, single submitter. Criteria: Ambry Variant Classification Scheme 2023. Collection method: clinical testing. Allele origin: germline.
Comment: The p.A1177V variant (also known as c.3530C>T), located in coding exon 14 of the WNK2 gene, results from a C to T substitution at nucleotide position 3530. The alanine at codon 1177 is replaced by valine, an amino acid with similar properties. This amino acid position is conserved. In addition, this alteration is predicted to be tolerated by in silico analysis. Based on the available evidence, the clinical significance of this variant remains unclear.